The following is an entry in ClinVar:

NM_000257.4(MYH7):c.5111A>G (p.Gln1704Arg)

Genes: MHRT (myosin heavy chain associated RNA transcript; plus strand), MYH7 (myosin heavy chain 7; minus strand), LOC126861897 (BRD4-independent group 4 enhancer GRCh37_chr14:23884455-23885654; plus strand). Cytogenetic location: 14q11.2.
Variant type: single nucleotide variant.
Coding change: c.5111A>G on transcript NM_000257.4 (MANE Select); coding-DNA position 5111, A replaced by G.
Protein change: p.Gln1704Arg; replaces glutamine 1704 with arginine.
Molecular consequence: missense variant. On other transcripts: non-coding transcript variant (1).
Genome position (GRCh38, 1-based): chr14:23,415,675, T>C on the plus strand (A>G on the coding strand, the complement: MYH7 is on the minus strand). VCF-style: chr14-23415675-T-C. GRCh37 (hg19) VCF-style: chr14-23884884-T-C.
Other names: short protein forms Q1704R.
Identifiers: ClinVar variation 843199 (VCV000843199.10), dbSNP rs1892166698, ClinGen allele CA389036941.

ClinVar aggregate classification (germline): Uncertain significance (1 of 4 stars; one submission).

Conditions:
Hypertrophic cardiomyopathy. Also called: HYPERTROPHIC MYOCARDIOPATHY. Identifiers: Orphanet 217569, MedGen C0007194, MeSH D002312, MONDO:0005045, HP:0001639.

Submission:

Labcorp Genetics (formerly Invitae), Labcorp
Classification: Uncertain significance for Hypertrophic cardiomyopathy. Last evaluated: 2019-08-27. Review status: criteria provided, single submitter. Criteria: Invitae Variant Classification Sherloc (09022015). Collection method: clinical testing. Allele origin: germline.
Comment: In summary, the available evidence is currently insufficient to determine the role of this variant in disease. Therefore, it has been classified as a Variant of Uncertain Significance. Algorithms developed to predict the effect of missense changes on protein structure and function are either unavailable or do not agree on the potential impact of this missense change (SIFT: "Deleterious"; PolyPhen-2: "Possibly Damaging"; Align-GVGD: "Class C0"). This variant has not been reported in the literature in individuals with MYH7-related conditions. This variant is not present in population databases (ExAC no frequency). This sequence change replaces glutamine with arginine at codon 1704 of the MYH7 protein (p.Gln1704Arg). The glutamine residue is highly conserved and there is a small physicochemical difference between glutamine and arginine.